The following is an entry in ClinVar:

NM_020442.6(VARS2):c.2673+255G>C

Gene: VARS2 (valyl-tRNA synthetase 2, mitochondrial; plus strand). Cytogenetic location: 6p21.33.
Variant type: single nucleotide variant.
Coding change: c.2673+255G>C on transcript NM_020442.6 (MANE Select); 255 bases into the intron after coding-DNA position 2673, G replaced by C.
Molecular consequence: intron variant.
Genome position (GRCh38, 1-based): chr6:30,924,815, G>C. VCF-style: chr6-30924815-G-C. GRCh37 (hg19) VCF-style: chr6-30892592-G-C.
Other names: c.2763+255G>C (NM_001167734.2); c.2253+255G>C (NM_001167733.3).
Identifiers: ClinVar variation 669595 (VCV000669595.1), dbSNP rs2532940, ClinGen allele CA12186956.

ClinVar aggregate classification (germline): Benign (1 of 4 stars; one submission).

Allele frequency attached by ClinVar (database versions not stated): 1000 Genomes Project 30x 0.22064; 1000 Genomes Project 0.22224; TOPMed 0.26293.

Submission:

GeneDx
Classification: Benign. Last evaluated: 2018-06-14. Review status: criteria provided, single submitter. Criteria: GeneDx Variant Classification (06012015). Collection method: clinical testing. Allele origin: germline. Affected: yes.
Comment: This variant is considered likely benign or benign based on one or more of the following criteria: it is a conservative change, it occurs at a poorly conserved position in the protein, it is predicted to be benign by multiple in silico algorithms, and/or has population frequency not consistent with disease.